The following is an entry in ClinVar:

NM_001127198.5(TMC6):c.1383+1G>A

Gene: TMC6 (transmembrane channel like 6; minus strand). Cytogenetic location: 17q25.3.
Variant type: single nucleotide variant.
Coding change: c.1383+1G>A on transcript NM_001127198.5 (MANE Select); the canonical splice donor site of the intron after coding-DNA position 1383, G replaced by A.
Molecular consequence: splice donor variant.
Genome position (GRCh38, 1-based): chr17:78,121,555, C>T on the plus strand (G>A on the coding strand, the complement: TMC6 is on the minus strand). VCF-style: chr17-78121555-C-T. GRCh37 (hg19) VCF-style: chr17-76117636-C-T.
Other names: c.1383+1G>A (NM_001374594.1, NM_001374596.1, NM_001374593.1 and 4 more transcripts).
Identifiers: ClinVar variation 963990 (VCV000963990.8), dbSNP rs2074414994, ClinGen allele CA401229589.

ClinVar aggregate classification (germline): Likely pathogenic (1 of 4 stars; one submission).

Conditions:
Epidermodysplasia verruciformis. Identifiers: Orphanet 302, MedGen C0014522, MONDO:0009176.

Submission:

Labcorp Genetics (formerly Invitae), Labcorp
Classification: Likely pathogenic for Epidermodysplasia verruciformis. Last evaluated: 2024-10-29. Review status: criteria provided, single submitter. Criteria: Invitae Variant Classification Sherloc (09022015). Collection method: clinical testing. Allele origin: germline.
Comment: This sequence change affects a donor splice site in intron 11 of the TMC6 gene. It is expected to disrupt RNA splicing. Variants that disrupt the donor or acceptor splice site typically lead to a loss of protein function (PMID: 16199547), and loss-of-function variants in TMC6 are known to be pathogenic (PMID: 15042430, 17139267). This variant is not present in population databases (gnomAD no frequency). This variant has not been reported in the literature in individuals affected with TMC6-related conditions. ClinVar contains an entry for this variant (Variation ID: 963990). Algorithms developed to predict the effect of sequence changes on RNA splicing suggest that this variant may disrupt the consensus splice site. In summary, the currently available evidence indicates that the variant is pathogenic, but additional data are needed to prove that conclusively. Therefore, this variant has been classified as Likely Pathogenic.

Literature cited by the submitters: PubMed 16199547; PubMed 15042430; PubMed 17139267.